The following is an entry in ClinVar:

NM_020921.4(NIN):c.5628+5T>C

Gene: NIN (ninein; minus strand). Cytogenetic location: 14q22.1.
Variant type: single nucleotide variant.
Coding change: c.5628+5T>C on transcript NM_020921.4 (MANE Select); 5 bases into the intron after coding-DNA position 5628, T replaced by C.
Molecular consequence: intron variant.
Genome position (GRCh38, 1-based): chr14:50,739,303, A>G on the plus strand (T>C on the coding strand, the complement: NIN is on the minus strand). VCF-style: chr14-50739303-A-G. GRCh37 (hg19) VCF-style: chr14-51206021-A-G.
Other names: c.3489+5T>C (NM_016350.5); c.5628+5T>C (NM_182946.2, NM_182944.3).
Identifiers: ClinVar variation 129796 (VCV000129796.20), dbSNP rs3015485, ClinGen allele CA154107.

ClinVar aggregate classification (germline): Benign. Review status: criteria provided, multiple submitters, no conflicts (2 of 4 stars). 6 submissions from 6 submitters: Benign (5). 1 of the submissions does not count toward it. Last evaluated 2026-02-04.

Conditions:
Seckel syndrome 7 (SCKL7). Identifiers: Orphanet 319675, MedGen C3553870, MONDO:0013922, OMIM 614851.

Allele frequency attached by ClinVar (database versions not stated): ESP Exome Variant Server 0.99131; TOPMed 0.99198; gnomAD 0.99236 and 0.99290; 1000 Genomes Project 0.99261; 1000 Genomes Project 30x 0.99282; ExAC 0.99757; gnomAD exomes 0.99792 and 0.99923.
gnomAD v4.1: 1,610,944 of 1,613,168 alleles (100%); highest among the groups gnomAD compares: East Asian, 100%; 804,394 homozygotes.

Submissions (6):

Labcorp Genetics (formerly Invitae), Labcorp
Classification: Benign. Last evaluated: 2026-02-04. Review status: criteria provided, single submitter. Criteria: Invitae Variant Classification Sherloc (09022015). Collection method: clinical testing. Allele origin: germline.

Blueprint Genetics
Classification: Benign. Last evaluated: 2024-11-27. Review status: criteria provided, single submitter. Criteria: ACMG Guidelines, 2015. Collection method: clinical testing. Allele origin: germline.

Genome-Nilou Lab
Classification: Benign for Seckel syndrome 7. Last evaluated: 2021-09-05. Review status: criteria provided, single submitter. Criteria: ACMG Guidelines, 2015. Collection method: clinical testing. Allele origin: germline. Affected: no.

GeneDx
Classification: Benign. Last evaluated: 2021-05-04. Review status: criteria provided, single submitter. Criteria: GeneDx Variant Classification Process June 2021. Collection method: clinical testing. Allele origin: germline. Affected: yes.

Breakthrough Genomics
Classification: Benign. Review status: criteria provided, single submitter. Criteria: ACMG Guidelines, 2015. Collection method: not provided. Allele origin: germline. Inheritance: Autosomal recessive inheritance. Affected: yes.

Genetic Services Laboratory, University of Chicago
Classification: Likely benign for AllHighlyPenetrant. Review status: no assertion criteria provided. Collection method: clinical testing. Allele origin: germline. Inheritance: Autosomal recessive inheritance. Not counted in ClinVar's aggregate classification.
Comment: Likely benign based on allele frequency in 1000 Genomes Project or ESP global frequency and its presence in a patient with a rare or unrelated disease phenotype. NOT Sanger confirmed.